The following is an entry in ClinVar:

NM_000321.3(RB1):c.972T>G (p.Ile324Met)

Gene: RB1 (RB transcriptional corepressor 1; plus strand). Cytogenetic location: 13q14.2.
Variant type: single nucleotide variant.
Coding change: c.972T>G on transcript NM_000321.3 (MANE Select); coding-DNA position 972, T replaced by G.
Protein change: p.Ile324Met; replaces isoleucine 324 with methionine.
Molecular consequence: missense variant.
Genome position (GRCh38, 1-based): chr13:48,367,526, T>G. VCF-style: chr13-48367526-T-G. GRCh37 (hg19) VCF-style: chr13-48941662-T-G.
Other names: c.972T>G, p.Ile324Met (NM_001407165.1, NM_001407166.1); short protein forms I324M.
Identifiers: ClinVar variation 5027936 (VCV005027936.1).
Genomic context (GRCh38, chr13:48,367,526, plus strand): 5'-TAATTGTCAGTGACTTTTTTCTTTCAAGGTTGAAAATCTTTCTAAACGATACGAAGAAAT[T>G]TATCTTAAAAATAAAGATCTAGATGCAAGATTATTTTTGGATCATGATAAAACTCTTCAG-3'
Protein context (NP_000312.2, residues 314-334): VENLSKRYEE[Ile324Met]YLKNKDLDAR

ClinVar aggregate classification (germline): Uncertain significance (1 of 4 stars; one submission).

Conditions:
Hereditary cancer-predisposing syndrome. Also called: Neoplastic Syndromes, Hereditary; Tumor predisposition; Hereditary neoplastic syndrome; Hereditary Cancer Syndrome. Identifiers: Orphanet 140162, MedGen C0027672, MeSH D009386, MONDO:0015356.

Submission:

Ambry Genetics
Classification: Uncertain significance for Hereditary cancer-predisposing syndrome. Last evaluated: 2026-07-06. Review status: criteria provided, single submitter. Criteria: Ambry Variant Classification Scheme 2023. Collection method: clinical testing. Allele origin: germline.
Comment: The p.I324M variant (also known as c.972T>G), located in coding exon 10 of the RB1 gene, results from a T to G substitution at nucleotide position 972. The isoleucine at codon 324 is replaced by methionine, an amino acid with highly similar properties. This amino acid position is conserved. In addition, this alteration is predicted to be tolerated by in silico analysis. Based on the available evidence, the clinical significance of this variant remains unclear.